The following is an entry in ClinVar:

ClinVar aggregate classification (germline): Uncertain significance. Review status: criteria provided, multiple submitters, no conflicts (2 of 4 stars). 3 submissions from 3 submitters: Uncertain significance (3). Last evaluated 2022-05-05.

Allele frequency attached by ClinVar (database versions not stated): gnomAD 0.00002; TOPMed 0.00003; gnomAD exomes 0.00004; ExAC 0.00005.

Submissions (3):

Labcorp Genetics (formerly Invitae), Labcorp
Classification: Uncertain significance. Last evaluated: 2022-05-05. Review status: criteria provided, single submitter. Criteria: Invitae Variant Classification Sherloc (09022015). Collection method: clinical testing. Allele origin: germline.
Comment: This sequence change replaces arginine, which is basic and polar, with cysteine, which is neutral and slightly polar, at codon 336 of the UNC80 protein (p.Arg336Cys). This variant is present in population databases (rs760417182, gnomAD 0.009%). This variant has not been reported in the literature in individuals affected with UNC80-related conditions. Algorithms developed to predict the effect of missense changes on protein structure and function are either unavailable or do not agree on the potential impact of this missense change (SIFT: "Not Available"; PolyPhen-2: "Probably Damaging"; Align-GVGD: "Not Available"). In summary, the available evidence is currently insufficient to determine the role of this variant in disease. Therefore, it has been classified as a Variant of Uncertain Significance.

GeneDx
Classification: Uncertain significance. Last evaluated: 2022-01-30. Review status: criteria provided, single submitter. Criteria: GeneDx Variant Classification Process June 2021. Collection method: clinical testing. Allele origin: germline. Affected: yes.
Comment: In silico analysis supports that this missense variant has a deleterious effect on protein structure/function; Has not been previously published as pathogenic or benign to our knowledge

Blueprint Genetics
Classification: Uncertain significance. Last evaluated: 2019-11-22. Review status: criteria provided, single submitter. Criteria: ACMG Guidelines, 2015. Collection method: clinical testing. Allele origin: germline.

NM_001371986.1(UNC80):c.1006C>T (p.Arg336Cys)

Gene: UNC80 (unc-80 subunit of NALCN channel complex; plus strand). Cytogenetic location: 2q34.
Variant type: single nucleotide variant.
Coding change: c.1006C>T on transcript NM_001371986.1 (MANE Select); coding-DNA position 1006, C replaced by T.
Protein change: p.Arg336Cys; replaces arginine 336 with cysteine.
Molecular consequence: missense variant.
Genome position (GRCh38, 1-based): chr2:209,813,647, C>T. VCF-style: chr2-209813647-C-T. GRCh37 (hg19) VCF-style: chr2-210678371-C-T.
Other names: c.1006C>T, p.Arg336Cys (NM_032504.2, NM_182587.4); short protein forms R336C.
Identifiers: ClinVar variation 1699808 (VCV001699808.5), dbSNP rs760417182, ClinGen allele CA2082893.